The following is an entry in ClinVar:

NM_000521.4(HEXB):c.626C>T (p.Thr209Ile)

Gene: HEXB (hexosaminidase subunit beta; plus strand). Cytogenetic location: 5q13.3.
Variant type: single nucleotide variant.
Coding change: c.626C>T on transcript NM_000521.4 (MANE Select); coding-DNA position 626, C replaced by T.
Protein change: p.Thr209Ile; replaces threonine 209 with isoleucine.
Molecular consequence: missense variant. On other transcripts: 5 prime UTR variant (1).
Genome position (GRCh38, 1-based): chr5:74,697,063, C>T. VCF-style: chr5-74697063-C-T. GRCh37 (hg19) VCF-style: chr5-73992888-C-T.
Other names: c.-50C>T (NM_001292004.2); short protein forms T209I.
Identifiers: ClinVar variation 4814293 (VCV004814293.1).

ClinVar aggregate classification (germline): Likely pathogenic (1 of 4 stars; one submission).

Conditions:
Sandhoff disease. Also called: GM2-GANGLIOSIDOSIS, TYPE II; HEXOSAMINIDASES A AND B DEFICIENCY; Beta-hexosaminidase-beta-subunit deficiency; GM2 gangliosidosis, type 2; Total hexosaminidase deficiency; Sandhoff-Jatzkewitz-Pilz disease. Identifiers: Orphanet 796, MedGen C0036161, MONDO:0010006, OMIM 268800.

Submission:

Natera, Inc.
Classification: Likely pathogenic for Sandhoff disease. Last evaluated: 2025-10-22. Review status: criteria provided, single submitter. Criteria: Natera Variant Classification Schema (03/2026). Collection method: clinical testing. Allele origin: germline.
Comment: The c.626C>T variant in HEXB is a missense variant predicted to cause substitution of threonine to isoleucine at amino acid 209. This variant is rare in the general population with a frequency below the threshold expected for the associated phenotype(s). This variant has been observed in one or more individuals affected with the associated recessive disease, as either homozygous or compound heterozygous with a second variant (PMID: 27021291, 22848519). Functional studies show that this variant may disrupt protein function (PMID: 22848519). Computational prediction algorithms indicate this variant is likely to affect gene or protein function. Given the available evidence, this variant is classified as Likely Pathogenic.

Literature cited by the submitters: PubMed 27021291; PubMed 22848519.